The following is an entry in ClinVar:

NM_001267550.2(TTN):c.33826+7G>A

Gene: TTN (titin; minus strand). Cytogenetic location: 2q31.2.
Variant type: single nucleotide variant.
Coding change: c.33826+7G>A on transcript NM_001267550.2 (MANE Select); 7 bases into the intron after coding-DNA position 33826, G replaced by A.
Molecular consequence: intron variant.
Genome position (GRCh38, 1-based): chr2:178,678,740, C>T on the plus strand (G>A on the coding strand, the complement: TTN is on the minus strand). VCF-style: chr2-178678740-C-T. GRCh37 (hg19) VCF-style: chr2-179543467-C-T.
Other names: c.13283-36423G>A (NM_003319.4); c.13859-36423G>A (NM_133437.4); c.13658-36423G>A (NM_133432.3); c.30094+7G>A (NM_133378.4); c.32875+7G>A (NM_001256850.1).
Identifiers: ClinVar variation 514724 (VCV000514724.8), dbSNP rs752099208, ClinGen allele CA1998224.

ClinVar aggregate classification (germline): Conflicting classifications of pathogenicity. Review status: criteria provided, conflicting classifications (1 of 4 stars). 7 submissions from 3 submitters: Uncertain significance (5); Likely benign (2). Last evaluated 2025-12-22.

Conditions:
Autosomal recessive limb-girdle muscular dystrophy type 2J (LGMDR10). Also called: MUSCULAR DYSTROPHY, LIMB-GIRDLE, AUTOSOMAL RECESSIVE 10; Limb-girdle muscular dystrophy, type 2J. Identifiers: Orphanet 140922, MedGen C1837342, MONDO:0012127, OMIM 608807.
Dilated cardiomyopathy 1G (CMD1G). Identifiers: Orphanet 154, MedGen C1858763, MONDO:0011400, OMIM 604145.
Tibial muscular dystrophy (TMD). Also called: Udd Distal Myopathy – Tibial Muscular Dystrophy; Tibial muscular dystrophy, tardive; UDD MYOPATHY. Identifiers: Orphanet 609, MedGen C1838244, MONDO:0010870, OMIM 600334.
Early-onset myopathy with fatal cardiomyopathy (CMYO5). Also called: Salih Myopathy; CONGENITAL MYOPATHY 5 WITH CARDIOMYOPATHY. Identifiers: Orphanet 289377, MedGen C2673677, MONDO:0012714, OMIM 611705. Disease mechanism: loss of function.
Myopathy, myofibrillar, 9, with early respiratory failure (MFM9). Also called: MYOPATHY, PROXIMAL, WITH EARLY RESPIRATORY MUSCLE INVOLVEMENT; Myopathy, distal, with early respiratory failure, autosomal dominant; Hereditary myopathy with early respiratory failure; EDSTROM MYOPATHY. Identifiers: Orphanet 178464, Orphanet 34521, MedGen C1863599, MONDO:0011362, OMIM 603689.

Allele frequency attached by ClinVar (database versions not stated): gnomAD exomes below 0.00001 and 0.00001; ExAC 0.00001.
gnomAD v4.1: 11 of 1,596,972 alleles (0.00069%); highest among the groups gnomAD compares: East Asian, 0.0023%; no homozygotes.

Submissions (7):

Labcorp Genetics (formerly Invitae), Labcorp
Classification: Likely benign for Dilated cardiomyopathy 1G; Autosomal recessive limb-girdle muscular dystrophy type 2J. Last evaluated: 2025-12-22. Review status: criteria provided, single submitter. Criteria: Invitae Variant Classification Sherloc (09022015). Collection method: clinical testing. Allele origin: germline.

Illumina Laboratory Services, Illumina
Classification: Uncertain significance for Myopathy, myofibrillar, 9, with early respiratory failure. Last evaluated: 2018-01-13. Review status: criteria provided, single submitter. Criteria: ICSL Variant Classification Criteria 13 December 2019. Collection method: clinical testing. Allele origin: germline.

Illumina Laboratory Services, Illumina
Classification: Uncertain significance for Early-onset myopathy with fatal cardiomyopathy. Last evaluated: 2018-01-13. Review status: criteria provided, single submitter. Criteria: ICSL Variant Classification Criteria 13 December 2019. Collection method: clinical testing. Allele origin: germline.

Illumina Laboratory Services, Illumina
Classification: Uncertain significance for Autosomal recessive limb-girdle muscular dystrophy type 2J. Last evaluated: 2018-01-13. Review status: criteria provided, single submitter. Criteria: ICSL Variant Classification Criteria 13 December 2019. Collection method: clinical testing. Allele origin: germline.

Illumina Laboratory Services, Illumina
Classification: Uncertain significance for Dilated cardiomyopathy 1G. Last evaluated: 2018-01-13. Review status: criteria provided, single submitter. Criteria: ICSL Variant Classification Criteria 13 December 2019. Collection method: clinical testing. Allele origin: germline.

Illumina Laboratory Services, Illumina
Classification: Uncertain significance for Tibial muscular dystrophy. Last evaluated: 2018-01-13. Review status: criteria provided, single submitter. Criteria: ICSL Variant Classification Criteria 13 December 2019. Collection method: clinical testing. Allele origin: germline.

GeneDx
Classification: Likely benign. Last evaluated: 2018-01-05. Review status: criteria provided, single submitter. Criteria: GeneDx Variant Classification (06012015). Collection method: clinical testing. Allele origin: germline. Affected: yes.
Comment: This variant is considered likely benign or benign based on one or more of the following criteria: it is a conservative change, it occurs at a poorly conserved position in the protein, it is predicted to be benign by multiple in silico algorithms, and/or has population frequency not consistent with disease.